The following is an entry in ClinVar:

NM_000093.5(COL5A1):c.573C>T (p.Leu191=)

Gene: COL5A1 (collagen type V alpha 1 chain; plus strand). Cytogenetic location: 9q34.3.
Variant type: single nucleotide variant.
Coding change: c.573C>T on transcript NM_000093.5 (MANE Select); coding-DNA position 573, C replaced by T.
Protein change: p.Leu191=; no amino-acid change (leucine 191 retained).
Molecular consequence: synonymous variant.
Genome position (GRCh38, 1-based): chr9:134,701,252, C>T. VCF-style: chr9-134701252-C-T. GRCh37 (hg19) VCF-style: chr9-137593098-C-T.
Other names: p.L191L:CTC>CTT; p.Leu191=; c.573C>T, p.Leu191= (NM_001278074.1).
Identifiers: ClinVar variation 136919 (VCV000136919.64), dbSNP rs116715381, ClinGen allele CA290333.
Genomic context (GRCh38, chr9:134,701,252, plus strand): 5'-CGTCCACAAGAAAAATGTCACCTTGATCCTCGACTGTAAAAAGAAGACCACCAAATTCCT[C>T]GACCGCAGCGACCACCCCATGATCGACATCAATGGCATCATCGTGTTTGGCACCCGGATC-3'
Protein context (NP_000084.3, residues 181-201): LDCKKKTTKF[Leu191=]DRSDHPMIDI

ClinVar aggregate classification (germline): Benign/Likely benign. Review status: criteria provided, multiple submitters, no conflicts (2 of 4 stars). 16 submissions from 15 submitters: Benign (9); Likely benign (7). Last evaluated 2026-06-01.

Conditions:
Ehlers-Danlos syndrome, classic type, 1 (EDSCL1). Also called: Ehlers-Danlos syndrome, type 1; Ehlers-Danlos Syndrome, Classic Type, COL5A1-Related; EDS I; EHLERS-DANLOS SYNDROME, GRAVIS TYPE; EHLERS-DANLOS SYNDROME, SEVERE CLASSIC TYPE. Identifiers: MedGen C0268335, MONDO:0019567, OMIM 130000.
Fibromuscular dysplasia, multifocal. Identifiers: MedGen C5543412, MONDO:0859151, OMIM 619329.
Ehlers-Danlos syndrome (EDS). Identifiers: Orphanet 98249, MedGen C0013720, MONDO:0020066.
Ehlers-Danlos syndrome, classic type (cEDS). Identifiers: Orphanet 287, MedGen C4225429, MONDO:0007522.
Familial thoracic aortic aneurysm and aortic dissection (TAAD). Also called: Thoracic aortic aneurysms and dissections. Identifiers: Orphanet 91387, MedGen C4707243, MONDO:0019625.

Allele frequency attached by ClinVar (database versions not stated): gnomAD exomes 0.00106 and 0.00191; ExAC 0.00197; 1000 Genomes Project 0.00260; 1000 Genomes Project 30x 0.00297; gnomAD 0.00297 and 0.00312; ESP Exome Variant Server 0.00338; TOPMed 0.00368.
gnomAD v4.1: 2,079 of 1,613,952 alleles (0.13%); highest among the groups gnomAD compares: African/African-American, 0.75%; 4 homozygotes.

Submissions (16):

CeGaT Center for Human Genetics Tuebingen
Classification: Likely benign. Last evaluated: 2026-06-01. Review status: criteria provided, single submitter. Criteria: CeGaT Center For Human Genetics Tuebingen Variant Classification Criteria Version 2. Collection method: clinical testing. Allele origin: germline. Affected: yes. Observed: 7 variant alleles.
Comment: COL5A1: BP4, BP7

Labcorp Genetics (formerly Invitae), Labcorp
Classification: Benign for Ehlers-Danlos syndrome, classic type, 1. Last evaluated: 2026-02-01. Review status: criteria provided, single submitter. Criteria: Invitae Variant Classification Sherloc (09022015). Collection method: clinical testing. Allele origin: germline.

ARUP Laboratories, Molecular Genetics and Genomics, ARUP Laboratories
Classification: Benign. Last evaluated: 2025-06-18. Review status: criteria provided, single submitter. Criteria: ARUP Molecular Germline Variant Investigation Process 2024. Collection method: clinical testing. Allele origin: germline.

Molecular Diagnostic Laboratory for Inherited Cardiovascular Disease, Montreal Heart Institute
Classification: Likely benign. Last evaluated: 2025-04-09. Review status: criteria provided, single submitter. Criteria: ACMG Guidelines, 2015. Collection method: clinical testing. Allele origin: germline. Affected: no.

Blueprint Genetics
Classification: Likely benign. Last evaluated: 2024-11-21. Review status: criteria provided, single submitter. Criteria: ACMG Guidelines, 2015. Collection method: clinical testing. Allele origin: germline.

Mayo Clinic Laboratories, Mayo Clinic
Classification: Likely benign. Last evaluated: 2024-07-17. Review status: criteria provided, single submitter. Criteria: ACMG Guidelines, 2015. Collection method: clinical testing. Allele origin: germline. Observed: 16 variant alleles.
Comment: BS1, BP4, BP7

Women's Health and Genetics/Laboratory Corporation of America, LabCorp
Classification: Benign. Last evaluated: 2023-07-21. Review status: criteria provided, single submitter. Criteria: LabCorp Variant Classification Summary - May 2015. Collection method: clinical testing. Allele origin: germline.

Genome-Nilou Lab
Classification: Benign for Ehlers-Danlos syndrome, classic type, 1. Last evaluated: 2022-03-15. Review status: criteria provided, single submitter. Criteria: ACMG Guidelines, 2015. Collection method: clinical testing. Allele origin: germline. Affected: no.

Genome-Nilou Lab
Classification: Benign for Fibromuscular dysplasia, multifocal. Last evaluated: 2022-03-15. Review status: criteria provided, single submitter. Criteria: ACMG Guidelines, 2015. Collection method: clinical testing. Allele origin: germline. Affected: no.

Genome Diagnostics Laboratory, The Hospital for Sick Children
Classification: Likely benign for Ehlers-Danlos syndrome. Last evaluated: 2022-02-17. Review status: criteria provided, single submitter. Criteria: ACMG Guidelines, 2015. Collection method: clinical testing. Allele origin: germline.

Illumina Laboratory Services, Illumina
Classification: Benign for Ehlers-Danlos syndrome, classic type, 1. Last evaluated: 2018-01-13. Review status: criteria provided, single submitter. Criteria: ICSL Variant Classification Criteria 13 December 2019. Collection method: clinical testing. Allele origin: germline.
Comment: This variant was observed in the ICSL laboratory as part of a predisposition screen in an ostensibly healthy population. It had not been previously curated by ICSL or reported in the Human Gene Mutation Database (HGMD: prior to June 1st, 2018), and was therefore a candidate for classification through an automated scoring system. Utilizing variant allele frequency, disease prevalence and penetrance estimates, and inheritance mode, an automated score was calculated to assess if this variant is too frequent to cause the disease. Based on the score and internal cut-off values, a variant classified as benign is not then subjected to further curation. The score for this variant resulted in a classification of benign for this disease.

Eurofins Ntd Llc (ga)
Classification: Benign. Last evaluated: 2016-03-31. Review status: criteria provided, single submitter. Criteria: EGL Classification Definitions 2015. Collection method: clinical testing. Allele origin: germline. Observed: 1 variant allele, 1 heterozygote.

Ambry Genetics
Classification: Likely benign for Familial thoracic aortic aneurysm and aortic dissection. Last evaluated: 2015-01-23. Review status: criteria provided, single submitter. Criteria: Ambry Variant Classification Scheme 2023. Collection method: clinical testing. Allele origin: germline.

GeneDx
Classification: Benign. Last evaluated: 2013-03-28. Review status: criteria provided, single submitter. Criteria: GeneDx Variant Classification (06012015). Collection method: clinical testing. Allele origin: germline. Affected: yes.
Comment: This variant is considered likely benign or benign based on one or more of the following criteria: it is a conservative change, it occurs at a poorly conserved position in the protein, it is predicted to be benign by multiple in silico algorithms, and/or has population frequency not consistent with disease.

Breakthrough Genomics
Classification: Likely benign. Review status: criteria provided, single submitter. Criteria: ACMG Guidelines, 2015. Collection method: not provided. Allele origin: germline. Inheritance: Autosomal dominant inheritance. Affected: yes.

PreventionGenetics, part of Exact Sciences
Classification: Benign. Review status: criteria provided, single submitter. Criteria: ACMG Guidelines, 2015. Collection method: clinical testing. Allele origin: germline.